The following is an entry in ClinVar:

ClinVar aggregate classification (germline): Conflicting classifications of pathogenicity. Review status: criteria provided, conflicting classifications (1 of 4 stars). 4 submissions from 4 submitters: Uncertain significance (3); Likely benign (1). Last evaluated 2024-11-01.

Conditions:
Hereditary cancer-predisposing syndrome. Also called: Hereditary Cancer Syndrome; Neoplastic Syndromes, Hereditary; Hereditary neoplastic syndrome; Tumor predisposition. Identifiers: Orphanet 140162, MedGen C0027672, MeSH D009386, MONDO:0015356.
Hereditary breast ovarian cancer syndrome. Also called: Breast and ovarian cancer; Hereditary breast and ovarian cancer syndrome; Hereditary breast and/or ovarian cancer syndrome; BRCA1- and BRCA2-Associated Hereditary Breast and Ovarian Cancer; Hereditary breast and ovarian cancer; Hereditary breast and ovarian cancer syndrome (HBOC). Identifiers: Orphanet 145, MedGen C0677776, MeSH D061325, MONDO:0003582. Disease mechanism: loss of function.

Submissions (4):

Ambry Genetics
Classification: Uncertain significance for Hereditary cancer-predisposing syndrome. Last evaluated: 2024-11-01. Review status: criteria provided, single submitter. Criteria: Ambry Variant Classification Scheme 2023. Collection method: clinical testing. Allele origin: germline.
Comment: The p.N1822S variant (also known as c.5465A>G), located in coding exon 10 of the BRCA2 gene, results from an A to G substitution at nucleotide position 5465. The asparagine at codon 1822 is replaced by serine, an amino acid with highly similar properties. This amino acid position is not well conserved in available vertebrate species. In addition, this alteration is predicted to be tolerated by in silico analysis. Based on the available evidence, the clinical significance of this variant remains unclear.

Labcorp Genetics (formerly Invitae), Labcorp
Classification: Uncertain significance for Hereditary breast ovarian cancer syndrome. Last evaluated: 2024-04-27. Review status: criteria provided, single submitter. Criteria: Invitae Variant Classification Sherloc (09022015). Collection method: clinical testing. Allele origin: germline.
Comment: This sequence change replaces asparagine, which is neutral and polar, with serine, which is neutral and polar, at codon 1822 of the BRCA2 protein (p.Asn1822Ser). This variant is not present in population databases (gnomAD no frequency). This variant has not been reported in the literature in individuals affected with BRCA2-related conditions. ClinVar contains an entry for this variant (Variation ID: 188431). Advanced modeling of protein sequence and biophysical properties (such as structural, functional, and spatial information, amino acid conservation, physicochemical variation, residue mobility, and thermodynamic stability) performed at Invitae indicates that this missense variant is not expected to disrupt BRCA2 protein function with a negative predictive value of 95%. RNA analysis performed to evaluate the impact of this missense change on mRNA splicing indicates it does not significantly alter splicing (Invitae). In summary, the available evidence is currently insufficient to determine the role of this variant in disease. Therefore, it has been classified as a Variant of Uncertain Significance.

University of Washington Department of Laboratory Medicine, University of Washington
Classification: Likely benign for Hereditary cancer-predisposing syndrome. Last evaluated: 2023-03-23. Review status: criteria provided, single submitter. Criteria: Dines et al. (Genet Med. 2020). Collection method: curation. Allele origin: germline.
Comment: Missense variant in a coldspot region where missense variants are very unlikely to be pathogenic (PMID:31911673).

BRCA2 exon 11 coldspot. Reclassification based on statistical prior probability.

Quest Diagnostics Nichols Institute San Juan Capistrano
Classification: Uncertain significance. Last evaluated: 2020-03-05. Review status: criteria provided, single submitter. Criteria: Quest Diagnostics criteria. Collection method: clinical testing. Allele origin: unknown.

NM_000059.4(BRCA2):c.5465A>G (p.Asn1822Ser)

Gene: BRCA2 (BRCA2 DNA repair associated; plus strand). Cytogenetic location: 13q13.1.
Variant type: single nucleotide variant.
Coding change: c.5465A>G on transcript NM_000059.4 (MANE Select); coding-DNA position 5465, A replaced by G.
Protein change: p.Asn1822Ser; replaces asparagine 1822 with serine.
Molecular consequence: missense variant.
Genome position (GRCh38, 1-based): chr13:32,339,820, A>G. VCF-style: chr13-32339820-A-G. GRCh37 (hg19) VCF-style: chr13-32913957-A-G.
Other names: short protein forms N1822S.
Identifiers: ClinVar variation 188431 (VCV000188431.16), dbSNP rs587781580, ClinGen allele CA022360.